The following is an entry in ClinVar:

NM_020166.5(MCCC1):c.1864T>C (p.Ser622Pro)

Gene: MCCC1 (methylcrotonyl-CoA carboxylase subunit 1; minus strand). Cytogenetic location: 3q27.1.
Variant type: single nucleotide variant.
Coding change: c.1864T>C on transcript NM_020166.5 (MANE Select); coding-DNA position 1864, T replaced by C.
Protein change: p.Ser622Pro; replaces serine 622 with proline.
Molecular consequence: missense variant. On other transcripts: non-coding transcript variant (2).
Genome position (GRCh38, 1-based): chr3:183,022,422, A>G on the plus strand (T>C on the coding strand, the complement: MCCC1 is on the minus strand). VCF-style: chr3-183022422-A-G. GRCh37 (hg19) VCF-style: chr3-182740210-A-G.
Other names: c.1513T>C, p.Ser505Pro (NM_001293273.2); c.1537T>C, p.Ser513Pro (NM_001363880.1); short protein forms S505P, S513P, S622P.
Identifiers: ClinVar variation 3372051 (VCV003372051.1).
Genomic context (GRCh38, chr3:183,022,422, plus strand): 5'-GTCAAACAGTTTTCTCCCATGCCCCAGGAGGGATATTATAAAGAAGAGACATTACCTTGG[A>G]AAATAGGTAAATAGTGTTTTCCAGGATAATCAGCTTCGCTTTACTAGCAACTCCATTAAC-3'
Protein context (NP_064551.3, residues 612-632): IILENTIYLF[Ser622Pro]KEGSIEIDIP

ClinVar aggregate classification (germline): Uncertain significance (1 of 4 stars; one submission).

gnomAD v4.1: 8 of 1,613,946 alleles (0.0005%); highest among the groups gnomAD compares: Non-Finnish European, 0.00068%; no homozygotes.

Submission:

GeneDx
Classification: Uncertain significance. Last evaluated: 2024-04-03. Review status: criteria provided, single submitter. Criteria: GeneDx Variant Classification Process June 2021. Collection method: clinical testing. Allele origin: germline. Affected: yes.
Comment: Not observed at significant frequency in large population cohorts (gnomAD); In silico analysis supports that this missense variant has a deleterious effect on protein structure/function; Has not been previously published as pathogenic or benign to our knowledge